The following is an entry in ClinVar:

NM_032043.3(BRIP1):c.2069G>A (p.Gly690Glu)

Gene: BRIP1 (BRCA1 interacting DNA helicase 1; minus strand). Cytogenetic location: 17q23.2.
Variant type: single nucleotide variant.
Coding change: c.2069G>A on transcript NM_032043.3 (MANE Select); coding-DNA position 2069, G replaced by A.
Protein change: p.Gly690Glu; replaces glycine 690 with glutamic acid.
Molecular consequence: missense variant.
Genome position (GRCh38, 1-based): chr17:61,776,429, C>T on the plus strand (G>A on the coding strand, the complement: BRIP1 is on the minus strand). VCF-style: chr17-61776429-C-T. GRCh37 (hg19) VCF-style: chr17-59853790-C-T.
Other names: short protein forms G690E.
Identifiers: ClinVar variation 241637 (VCV000241637.18), dbSNP rs878855144, ClinGen allele CA10583626.
Genomic context (GRCh38, chr17:61,776,429, plus strand): 5'-AAAGGCAAAAGAAACAATAAATATTCCCTTACCTTGTAAGATGGCAAGAAACACAAAATT[C>T]CTTGGCTCACAGTCTGGCACACAGATAACAAAAGTGCTCCCACTTCATCTTGGAACTCAA-3'
Protein context (NP_114432.2, residues 680-700): LLSVCQTVSQ[Gly690Glu]ILCFLPSYKL

ClinVar aggregate classification (germline): Uncertain significance. Review status: criteria provided, multiple submitters, no conflicts (2 of 4 stars). 3 submissions from 3 submitters: Uncertain significance (3). Last evaluated 2026-01-19.

Conditions:
Familial cancer of breast. Also called: BREAST CANCER, FAMILIAL; Hereditary breast cancer; hereditary breast carcinoma. Identifiers: Orphanet 227535, MedGen C0346153, MONDO:0016419, OMIM 114480. Disease mechanism: loss of function.
Fanconi anemia complementation group J. Also called: BRIP1-Related Fanconi Anemia. Identifiers: Orphanet 84, MedGen C1836860, MONDO:0012187, OMIM 609054.
Hereditary cancer-predisposing syndrome. Also called: Neoplastic Syndromes, Hereditary; Tumor predisposition; Hereditary neoplastic syndrome; Hereditary Cancer Syndrome. Identifiers: Orphanet 140162, MedGen C0027672, MeSH D009386, MONDO:0015356.

Allele frequency attached by ClinVar (database versions not stated): gnomAD exomes below 0.00001; TOPMed below 0.00001; gnomAD 0.00001.
gnomAD v4.1: 3 of 1,613,948 alleles (0.00019%); highest among the groups gnomAD compares: Non-Finnish European, 0.00025%; no homozygotes.

Submissions (3):

Labcorp Genetics (formerly Invitae), Labcorp
Classification: Uncertain significance for Familial cancer of breast; Fanconi anemia complementation group J. Last evaluated: 2026-01-19. Review status: criteria provided, single submitter. Criteria: Invitae Variant Classification Sherloc (09022015). Collection method: clinical testing. Allele origin: germline.
Comment: This sequence change replaces glycine, which is neutral and non-polar, with glutamic acid, which is acidic and polar, at codon 690 of the BRIP1 protein (p.Gly690Glu). This variant is not present in population databases (gnomAD no frequency). This missense change has been observed in individual(s) with melanoma or breast cancer (PMID: 30414346; 31822495.). ClinVar contains an entry for this variant (Variation ID: 241637). Invitae Evidence Modeling of protein sequence and biophysical properties (such as structural, functional, and spatial information, amino acid conservation, physicochemical variation, residue mobility, and thermodynamic stability) indicates that this missense variant is expected to disrupt BRIP1 protein function with a positive predictive value of 95%. Experimental studies have shown that this missense change affects BRIP1 function (PMID: 31822495). In summary, the available evidence is currently insufficient to determine the role of this variant in disease. Therefore, it has been classified as a Variant of Uncertain Significance.

Women's Health and Genetics/Laboratory Corporation of America, LabCorp
Classification: Uncertain significance. Last evaluated: 2024-07-03. Review status: criteria provided, single submitter. Criteria: LabCorp Variant Classification Summary - May 2015. Collection method: clinical testing. Allele origin: germline.
Comment: Variant summary: BRIP1 c.2069G>A (p.Gly690Glu) results in a non-conservative amino acid change located in the ATP-dependent helicase, C-terminal domain (IPR006555) of the encoded protein sequence. Five of five in-silico tools predict a damaging effect of the variant on protein function. The variant was absent in 251368 control chromosomes. c.2069G>A has been reported in the literature in individuals affected with breast cancer or melanoma (e.g. Moyer_2020, Potjer_2019). These report(s) do not provide unequivocal conclusions about association of the variant with Fanconi Anemia Complementation Group J. At least one publication reports experimental evidence evaluating an impact on protein function. The most pronounced variant effect results in significantly reduced DNA interstrand cross-link (ICL) repair activity (Moyer_2020, Calvo_2021). The following publications have been ascertained in the context of this evaluation (PMID: 33619228, 31822495, 30414346). ClinVar contains an entry for this variant (Variation ID: 241637). Based on the evidence outlined above, the variant was classified as VUS-possibly pathogenic.

Ambry Genetics
Classification: Uncertain significance for Hereditary cancer-predisposing syndrome. Last evaluated: 2023-08-24. Review status: criteria provided, single submitter. Criteria: Ambry Variant Classification Scheme 2023. Collection method: clinical testing. Allele origin: germline.
Comment: The p.G690E variant (also known as c.2069G>A), located in coding exon 13 of the BRIP1 gene, results from a G to A substitution at nucleotide position 2069. The glycine at codon 690 is replaced by glutamic acid, an amino acid with similar properties. This alteration was detected in 1/101,759 breast cancer cases and 0/15,587 ovarian cancer cases. In this same study, using an inter-strand cross link damage survival assay, this alteration was found to be functionally abnormal (Moyer CL et al. Cancer Res. 2020 Feb;80:857-867). This alteration has also been identified in 1/976 alleles from a cohort of Dutch melanomaprone families (Potjer TP et al. Int. J. Cancer, 2019 05;144:2453-2464). In one study, this alteration was classified as a loss of function mutation based on its failure to confer resistance to either cisplatin or mitomycin C treatment (Calvo JA et al. Mol Cancer Res, 2021 06;19:1015-1025). This amino acid position is highly conserved in available vertebrate species. In addition, this alteration is predicted to be deleterious by in silico analysis. Since supporting evidence is limited at this time, the clinical significance of this alteration remains unclear.

Literature cited by the submitters: PubMed 30414346 (cited by 3 submitters); PubMed 31822495 (cited by 3 submitters); PubMed 33619228 (cited by Women's Health and Genetics/Laboratory Corporation of America, LabCorp and Ambry Genetics).